The following is an entry in ClinVar:

ClinVar aggregate classification (germline): Uncertain significance (1 of 4 stars; one submission).

Conditions:
Hereditary sensory and autonomic neuropathy type 6. Also called: HSAN VI; Neuropathy, hereditary sensory and autonomic, type VI. Identifiers: Orphanet 314381, MedGen C3539003, MONDO:0013839, OMIM 614653.
Epidermolysis bullosa simplex 3, localized or generalized intermediate, with BP230 deficiency (EBS3). Also called: Epidermolysis bullosa simplex, autosomal recessive 2; Epidermolysis bullosa simplex due to BP230 deficiency. Identifiers: Orphanet 412181, MedGen C3809470, MONDO:0014180, OMIM 615425.

Allele frequency attached by ClinVar (database versions not stated): ExAC 0.00001; gnomAD 0.00001; gnomAD exomes 0.00001.
gnomAD v4.1: 5 of 1,607,708 alleles (0.00031%); highest among the groups gnomAD compares: East Asian, 0.0022%; no homozygotes.

Submission:

Labcorp Genetics (formerly Invitae), Labcorp
Classification: Uncertain significance for Epidermolysis bullosa simplex 3, localized or generalized intermediate, with BP230 deficiency; Hereditary sensory and autonomic neuropathy type 6. Last evaluated: 2021-11-02. Review status: criteria provided, single submitter. Criteria: Invitae Variant Classification Sherloc (09022015). Collection method: clinical testing. Allele origin: germline.
Comment: In summary, the available evidence is currently insufficient to determine the role of this variant in disease. Therefore, it has been classified as a Variant of Uncertain Significance. Experimental studies and prediction algorithms are not available or were not evaluated, and the functional significance of this variant is currently unknown. This variant has not been reported in the literature in individuals affected with DST-related conditions. This variant is present in population databases (rs761389786, gnomAD 0.006%). This sequence change replaces methionine, which is neutral and non-polar, with valine, which is neutral and non-polar, at codon 1813 of the DST protein (p.Met1813Val). The DST gene has multiple clinically relevant transcripts. This variant occurs in alternate transcript NM_015548.4, and corresponds to NM_001723.5:c.*42522A>G in the primary transcript.

NM_001374736.1(DST):c.13306A>G (p.Met4436Val)

Gene: DST (dystonin; minus strand). Cytogenetic location: 6p12.1.
Variant type: single nucleotide variant.
Coding change: c.13306A>G on transcript NM_001374736.1 (MANE Select); coding-DNA position 13306, A replaced by G.
Protein change: p.Met4436Val; replaces methionine 4436 with valine.
Molecular consequence: missense variant.
Genome position (GRCh38, 1-based): chr6:56,572,995, T>C on the plus strand (A>G on the coding strand, the complement: DST is on the minus strand). VCF-style: chr6-56572995-T-C. GRCh37 (hg19) VCF-style: chr6-56437793-T-C.
Other names: c.6949A>G, p.Met2317Val (NM_001144769.5); c.6535A>G, p.Met2179Val (NM_001144770.2); c.13306A>G, p.Met4436Val (NM_001374722.1); c.12673A>G, p.Met4225Val (NM_001374729.1); c.6415A>G, p.Met2139Val (NM_001374730.1, NM_001386100.1, NM_183380.4); c.13333A>G, p.Met4445Val (NM_001374734.1); c.5437A>G, p.Met1813Val (NM_015548.5); short protein forms M2179V, M4445V, M1813V, M4225V, M2139V, M2317V, M4436V.
Identifiers: ClinVar variation 1476139 (VCV001476139.6), dbSNP rs761389786, ClinGen allele CA3868235.